The following is an entry in ClinVar:

ClinVar aggregate classification (germline): Uncertain significance (1 of 4 stars; one submission).

gnomAD v4.1: 3 of 1,613,872 alleles (0.00019%); highest among the groups gnomAD compares: Non-Finnish European, 0.00025%; no homozygotes.

Submission:

Ambry Genetics
Classification: Uncertain significance. Last evaluated: 2025-07-23. Review status: criteria provided, single submitter. Criteria: Ambry Variant Classification Scheme 2023. Collection method: clinical testing. Allele origin: germline.
Comment: The p.E474G variant (also known as c.1421A>G), located in coding exon 1 of the MLH3 gene, results from an A to G substitution at nucleotide position 1421. The glutamic acid at codon 474 is replaced by glycine, an amino acid with similar properties. This amino acid position is not well conserved in available vertebrate species. In addition, this alteration is predicted to be tolerated by in silico analysis. The evidence for this gene-disease relationship is limited; therefore, the clinical significance of this alteration is unclear.

NM_001040108.2(MLH3):c.1421A>G (p.Glu474Gly)

Gene: MLH3 (mutL homolog 3; minus strand). Cytogenetic location: 14q24.3.
Variant type: single nucleotide variant.
Coding change: c.1421A>G on transcript NM_001040108.2 (MANE Select); coding-DNA position 1421, A replaced by G.
Protein change: p.Glu474Gly; replaces glutamic acid 474 with glycine.
Molecular consequence: missense variant.
Genome position (GRCh38, 1-based): chr14:75,048,235, T>C on the plus strand (A>G on the coding strand, the complement: MLH3 is on the minus strand). VCF-style: chr14-75048235-T-C. GRCh37 (hg19) VCF-style: chr14-75514938-T-C.
Other names: c.1421A>G, p.Glu474Gly (NM_014381.3); short protein forms E474G.
Identifiers: ClinVar variation 4108605 (VCV004108605.1).